The following is an entry in ClinVar:

ClinVar aggregate classification (germline): Uncertain significance (1 of 4 stars; one submission).

Submission:

GeneDx
Classification: Uncertain significance. Last evaluated: 2024-04-16. Review status: criteria provided, single submitter. Criteria: GeneDx Variant Classification Process June 2021. Collection method: clinical testing. Allele origin: germline. Affected: yes.
Comment: Not observed at significant frequency in large population cohorts (gnomAD); In silico analysis indicates that this missense variant does not alter protein structure/function; Has not been previously published as pathogenic or benign to our knowledge

NM_015338.6(ASXL1):c.542G>A (p.Gly181Glu)

Gene: ASXL1 (ASXL transcriptional regulator 1; plus strand). Cytogenetic location: 20q11.21.
Variant type: single nucleotide variant.
Coding change: c.542G>A on transcript NM_015338.6 (MANE Select); coding-DNA position 542, G replaced by A.
Protein change: p.Gly181Glu; replaces glycine 181 with glutamic acid.
Molecular consequence: missense variant.
Genome position (GRCh38, 1-based): chr20:32,429,408, G>A. VCF-style: chr20-32429408-G-A. GRCh37 (hg19) VCF-style: chr20-31017211-G-A.
Other names: c.512G>A, p.Gly171Glu (NM_001363734.1); short protein forms G171E, G181E.
Identifiers: ClinVar variation 3372609 (VCV003372609.1).